The following is an entry in ClinVar:

ClinVar aggregate classification (germline): Uncertain significance. Review status: criteria provided, multiple submitters, no conflicts (2 of 4 stars). 2 submissions from 2 submitters: Uncertain significance (2). Last evaluated 2025-01-11.

Conditions:
KIDINS220-related disorder. Also called: KIDINS220-related condition.

Allele frequency attached by ClinVar (database versions not stated): gnomAD exomes below 0.00001.
gnomAD v4.1: 2 of 1,607,000 alleles (0.00012%); highest among the groups gnomAD compares: Non-Finnish European, 0.000085%; no homozygotes.

Submissions (2):

PreventionGenetics, part of Exact Sciences
Classification: Uncertain significance for KIDINS220-related condition. Last evaluated: 2025-01-11. Review status: criteria provided, single submitter. Criteria: ACMG Guidelines, 2015. Collection method: clinical testing. Allele origin: germline.
Comment: The KIDINS220 c.1959A>T variant is predicted to result in the amino acid substitution p.Lys653Asn. To our knowledge, this variant has not been reported in the literature or in a large population database (gnomAD), indicating this variant is rare. At this time, the clinical significance of this variant is uncertain due to the absence of conclusive functional and genetic evidence.

Labcorp Genetics (formerly Invitae), Labcorp
Classification: Uncertain significance. Last evaluated: 2023-09-29. Review status: criteria provided, single submitter. Criteria: Invitae Variant Classification Sherloc (09022015). Collection method: clinical testing. Allele origin: germline.
Comment: This sequence change replaces lysine, which is basic and polar, with asparagine, which is neutral and polar, at codon 653 of the KIDINS220 protein (p.Lys653Asn). This variant is not present in population databases (gnomAD no frequency). This variant has not been reported in the literature in individuals affected with KIDINS220-related conditions. An algorithm developed to predict the effect of missense changes on protein structure and function (PolyPhen-2) suggests that this variant is likely to be disruptive. In summary, the available evidence is currently insufficient to determine the role of this variant in disease. Therefore, it has been classified as a Variant of Uncertain Significance.

NM_020738.4(KIDINS220):c.1959A>T (p.Lys653Asn)

Gene: KIDINS220 (kinase D interacting substrate 220; minus strand). Cytogenetic location: 2p25.1.
Variant type: single nucleotide variant.
Coding change: c.1959A>T on transcript NM_020738.4 (MANE Select); coding-DNA position 1959, A replaced by T.
Protein change: p.Lys653Asn; replaces lysine 653 with asparagine.
Molecular consequence: missense variant. On other transcripts: non-coding transcript variant (2).
Genome position (GRCh38, 1-based): chr2:8,786,011, T>A on the plus strand (A>T on the coding strand, the complement: KIDINS220 is on the minus strand). VCF-style: chr2-8786011-T-A. GRCh37 (hg19) VCF-style: chr2-8926141-T-A.
Other names: c.1962A>T, p.Lys654Asn (NM_001348729.2, NM_001348731.2, NM_001348734.2 and 3 more transcripts); c.1959A>T, p.Lys653Asn (NM_001348732.2, NM_001348735.2, NM_001348738.2 and 3 more transcripts); c.1833A>T, p.Lys611Asn (NM_001348736.2); c.1959A>T (NM_020738.2); short protein forms K654N, K653N, K611N.
Identifiers: ClinVar variation 2979702 (VCV002979702.4), dbSNP rs1672351491, ClinGen allele CA345764797.